The following is an entry in ClinVar:

ClinVar aggregate classification (germline): Uncertain significance (1 of 4 stars; one submission).

Conditions:
Hyperaldosteronism, familial, type IV (HALD4). Also called: FH IV; ALDOSTERONISM, PRIMARY, AND HYPERTENSION. Identifiers: Orphanet 642671, MedGen C4310756, MONDO:0014875, OMIM 617027.
Idiopathic generalized epilepsy. Also called: Generalised epilepsy; EIG. Identifiers: MedGen C0270850, MONDO:0005579, OMIM 600669.

Submission:

Labcorp Genetics (formerly Invitae), Labcorp
Classification: Uncertain significance for Idiopathic generalized epilepsy; Hyperaldosteronism, familial, type IV. Last evaluated: 2022-06-13. Review status: criteria provided, single submitter. Criteria: Invitae Variant Classification Sherloc (09022015). Collection method: clinical testing. Allele origin: germline.
Comment: In summary, the available evidence is currently insufficient to determine the role of this variant in disease. Therefore, it has been classified as a Variant of Uncertain Significance. Advanced modeling of protein sequence and biophysical properties (such as structural, functional, and spatial information, amino acid conservation, physicochemical variation, residue mobility, and thermodynamic stability) performed at Invitae indicates that this missense variant is not expected to disrupt CACNA1H protein function. This variant has not been reported in the literature in individuals affected with CACNA1H-related conditions. This variant is not present in population databases (gnomAD no frequency). This sequence change replaces threonine, which is neutral and polar, with serine, which is neutral and polar, at codon 643 of the CACNA1H protein (p.Thr643Ser).

NM_021098.3(CACNA1H):c.1928C>G (p.Thr643Ser)

Gene: CACNA1H (calcium voltage-gated channel subunit alpha1 H; plus strand). Cytogenetic location: 16p13.3.
Variant type: single nucleotide variant.
Coding change: c.1928C>G on transcript NM_021098.3 (MANE Select); coding-DNA position 1928, C replaced by G.
Protein change: p.Thr643Ser; replaces threonine 643 with serine.
Molecular consequence: missense variant.
Genome position (GRCh38, 1-based): chr16:1,202,378, C>G. VCF-style: chr16-1202378-C-G. GRCh37 (hg19) VCF-style: chr16-1252378-C-G.
Other names: c.1928C>G, p.Thr643Ser (NM_001005407.2); short protein forms T643S.
Identifiers: ClinVar variation 1364907 (VCV001364907.8), dbSNP rs1968059158, ClinGen allele CA394163125.